The following is an entry in ClinVar:

ClinVar aggregate classification (germline): Benign. Review status: criteria provided, multiple submitters, no conflicts (2 of 4 stars). 4 submissions from 4 submitters: Benign (3). 1 of the submissions does not count toward it. Last evaluated 2026-01-18.

Conditions:
PYROXD1-related disorder. Also called: PYROXD1-related condition.

Allele frequency attached by ClinVar (database versions not stated): gnomAD exomes 0.00055 and 0.00145; ExAC 0.00201; gnomAD 0.00568 and 0.00612; TOPMed 0.00652; 1000 Genomes Project 0.00659; ESP Exome Variant Server 0.00669; 1000 Genomes Project 30x 0.00703.
gnomAD v4.1: 1,682 of 1,570,102 alleles (0.11%); highest among the groups gnomAD compares: African/African-American, 1.9%; 10 homozygotes.

Submissions (4):

Labcorp Genetics (formerly Invitae), Labcorp
Classification: Benign. Last evaluated: 2026-01-18. Review status: criteria provided, single submitter. Criteria: Invitae Variant Classification Sherloc (09022015). Collection method: clinical testing. Allele origin: germline.

Mayo Clinic Laboratories, Mayo Clinic
Classification: Benign. Last evaluated: 2025-03-28. Review status: criteria provided, single submitter. Criteria: ACMG Guidelines, 2015. Collection method: clinical testing. Allele origin: germline. Observed: 1 variant allele.
Comment: BA1

Breakthrough Genomics
Classification: Benign. Review status: criteria provided, single submitter. Criteria: ACMG Guidelines, 2015. Collection method: not provided. Allele origin: germline. Inheritance: Autosomal recessive inheritance. Affected: yes.

PreventionGenetics, part of Exact Sciences
Classification: Benign for PYROXD1-related condition. Last evaluated: 2019-05-14. Review status: no assertion criteria provided. Collection method: clinical testing. Allele origin: germline. Not counted in ClinVar's aggregate classification.
Comment: This variant is classified as benign based on ACMG/AMP sequence variant interpretation guidelines (Richards et al. 2015 PMID: 25741868, with internal and published modifications).

NM_024854.5(PYROXD1):c.555C>T (p.Phe185=)

Gene: PYROXD1 (pyridine nucleotide-disulphide oxidoreductase domain 1; plus strand). Cytogenetic location: 12p12.1.
Variant type: single nucleotide variant.
Coding change: c.555C>T on transcript NM_024854.5 (MANE Select); coding-DNA position 555, C replaced by T.
Protein change: p.Phe185=; no amino-acid change (phenylalanine 185 retained).
Molecular consequence: synonymous variant. On other transcripts: 5 prime UTR variant (1).
Genome position (GRCh38, 1-based): chr12:21,455,198, C>T. VCF-style: chr12-21455198-C-T. GRCh37 (hg19) VCF-style: chr12-21608132-C-T.
Other names: p.Phe185=; c.342C>T, p.Phe114= (NM_001350912.2); c.-223C>T (NM_001350913.2).
Identifiers: ClinVar variation 729181 (VCV000729181.14), dbSNP rs146792991, ClinGen allele CA6478257.
Genomic context (GRCh38, chr12:21,455,198, plus strand): 5'-AATTGAAGGCTGTGAAGTGATTTGGGCCATTAAAGATAAAGCTATAGGGAATACTTTCTT[C>T]GATGCAGGAGCAGCTGAATTCTTGACTTCAAAGCTCATTGCTGAAAAATCAGAGGCTAAA-3'
Protein context (NP_079130.2, residues 175-195): IKDKAIGNTF[Phe185=]DAGAAEFLTS